The following is an entry in ClinVar:

ClinVar aggregate classification (germline): Likely pathogenic. Review status: criteria provided, multiple submitters, no conflicts (2 of 4 stars). 3 submissions from 3 submitters: Likely pathogenic (3). Last evaluated 2023-09-26.

Conditions:
Hereditary cancer-predisposing syndrome. Also called: Hereditary Cancer Syndrome; Neoplastic Syndromes, Hereditary; Tumor predisposition; Hereditary neoplastic syndrome. Identifiers: Orphanet 140162, MedGen C0027672, MeSH D009386, MONDO:0015356.
Ataxia-telangiectasia syndrome (AT). Also called: Cerebello-oculocutaneous telangiectasia; Immunodeficiency with ataxia telangiectasia; Ataxia-telangiectasia, complementation group E; Ataxia-telangiectasia, complementation group D; AT, COMPLEMENTATION GROUP C; ATAXIA-TELANGIECTASIA, COMPLEMENTATION GROUP A. Identifiers: Orphanet 100, MedGen C0004135, MONDO:0008840, OMIM 208900.
Familial cancer of breast. Also called: BREAST CANCER, FAMILIAL; Hereditary breast cancer; hereditary breast carcinoma. Identifiers: Orphanet 227535, MedGen C0346153, MONDO:0016419, OMIM 114480. Disease mechanism: loss of function.

Submissions (3):

Myriad Genetics, Inc.
Classification: Likely pathogenic for Familial cancer of breast. Last evaluated: 2023-09-26. Review status: criteria provided, single submitter. Criteria: Myriad Autosomal Dominant, Autosomal Recessive and X-Linked Classification Criteria (2023). Collection method: clinical testing. Allele origin: unknown.
Comment: This variant is considered likely pathogenic. This variant occurs within a consensus splice junction and is predicted to result in abnormal mRNA splicing of either an out-of-frame exon or an in-frame exon necessary for protein stability and/or normal function.

Labcorp Genetics (formerly Invitae), Labcorp
Classification: Likely pathogenic for Ataxia-telangiectasia syndrome. Last evaluated: 2018-04-24. Review status: criteria provided, single submitter. Criteria: Invitae Variant Classification Sherloc (09022015). Collection method: clinical testing. Allele origin: germline.
Comment: This sequence change affects a donor splice site in intron 55 of the ATM gene. It is expected to disrupt RNA splicing and likely results in an absent or disrupted protein product. This variant is not present in population databases (ExAC no frequency). This variant has not been reported in the literature in individuals with ATM-related disease. Algorithms developed to predict the effect of sequence changes on RNA splicing suggest that this variant may disrupt the consensus splice site, but this prediction has not been confirmed by published transcriptional studies. Donor and acceptor splice site variants typically lead to a loss of protein function (PMID: 16199547), and loss-of-function variants in ATM are known to be pathogenic (PMID: 23807571, 25614872). In summary, the currently available evidence indicates that the variant is pathogenic, but additional data are needed to prove that conclusively. Therefore, this variant has been classified as Likely Pathogenic.

Ambry Genetics
Classification: Likely pathogenic for Hereditary cancer-predisposing syndrome. Last evaluated: 2017-03-31. Review status: criteria provided, single submitter. Criteria: Ambry Variant Classification Scheme 2023. Collection method: clinical testing. Allele origin: germline.
Comment: The c.8148_8151+2delTAAGGT variant results from a deletion of six nucleotides at the splice junction boundary of coding exon 54 and intron 54 of the ATM gene. The deleted nucleotide region is well conserved in available vertebrate species. Using the BDGP and ESEfinder splice site prediction tools, this alteration is predicted to abolish the native splice donor site; however, direct evidence is unavailable. Alterations that disrupt the canonical splice site are expected to cause aberrant splicing, resulting in an abnormal protein or a transcript that is subject to nonsense-mediated mRNA decay. As such, this alteration is classified as likely pathogenic.

Literature cited by the submitters: PubMed 23807571 (cited by Labcorp Genetics (formerly Invitae), Labcorp); PubMed 25614872 (cited by Labcorp Genetics (formerly Invitae), Labcorp).

NM_000051.4(ATM):c.8148_8151+2del

Genes: ATM (ATM serine/threonine kinase; plus strand), C11orf65 (chromosome 11 open reading frame 65; minus strand). Cytogenetic location: 11q22.3.
Variant type: Deletion.
Coding change: c.8148_8151+2del on transcript NM_000051.4 (MANE Select); coding-DNA position 8148 through the canonical splice donor site of the intron after coding-DNA position 8151, 6 bases deleted (TAAGGT; older notation c.8148_8151+2delTAAGGT).
Molecular consequence: splice donor variant. On other transcripts: intron variant (2).
Genome position (GRCh38, 1-based): chr11:108,335,106-108,335,111, TAAGGT deleted; deleting any 6 consecutive bases within chr11:108,335,104-108,335,111 gives the same sequence; the c. name uses the placement nearest the transcript's 3' end. VCF-style (leftmost placement, unchanged base first): chr11-108335103-TGTTAAG-T. GRCh37 (hg19) VCF-style: chr11-108205830-TGTTAAG-T.
Other names: c.8148_8151+2delTAAGGT (NM_000051.3); c.8148_8151+2del (NM_001351834.2); c.641-26038_641-26033del (NM_001330368.2); c.*38+111_*38+116del (NM_001351110.2).
Identifiers: ClinVar variation 580462 (VCV000580462.6), dbSNP rs1565541335, ClinGen allele CA891842779.
Genomic context (GRCh38, chr11:108,335,103, plus strand): 5'-TGTAAATTTACCAAAAATAATAGATTGTGTAGGTTCCGATGGCAAGGAGAGGAGACAGCT[TGTTAAG>T]GTGAGCCTTCCCTTCTCTGGCTTAGCCCTTAGAGTTTTAGTGATGAAAATTTTTAGTTCA-3'